The following is an entry in ClinVar:

NM_001010892.3(RSPH4A):c.1917-4A>G

Gene: RSPH4A (radial spoke head component 4A; plus strand). Cytogenetic location: 6q22.1.
Variant type: single nucleotide variant.
Coding change: c.1917-4A>G on transcript NM_001010892.3 (MANE Select); 4 bases into the intron before coding-DNA position 1917, A replaced by G.
Molecular consequence: intron variant.
Genome position (GRCh38, 1-based): chr6:116,632,203, A>G. VCF-style: chr6-116632203-A-G. GRCh37 (hg19) VCF-style: chr6-116953366-A-G.
Other names: p.?; c.1781-4A>G (NM_001161664.2).
Identifiers: ClinVar variation 215480 (VCV000215480.21), dbSNP rs201826366, ClinGen allele CA337544.

ClinVar aggregate classification (germline): Conflicting classifications of pathogenicity. Review status: criteria provided, conflicting classifications (1 of 4 stars). 6 submissions from 6 submitters: Uncertain significance (1); Benign (2); Likely benign (3). Last evaluated 2026-02-01.

Conditions:
Primary ciliary dyskinesia. Also called: Ciliary dyskinesia. Identifiers: Orphanet 244, MedGen C0008780, MONDO:0016575, HP:0012265.
Primary ciliary dyskinesia 11. Also called: CILIARY DYSKINESIA, PRIMARY, 11, WITHOUT SITUS INVERSUS. Identifiers: Orphanet 244, MedGen C2675229, MONDO:0012978, OMIM 612649.

Allele frequency attached by ClinVar (database versions not stated): 1000 Genomes Project 30x 0.00031; 1000 Genomes Project 0.00040; gnomAD exomes 0.00153 and 0.00203; TOPMed 0.00175; ESP Exome Variant Server 0.00192; gnomAD 0.00192 and 0.00223; ExAC 0.00273.
gnomAD v4.1: 3,244 of 1,597,418 alleles (0.2%); highest among the groups gnomAD compares: Non-Finnish European, 0.25%; 8 homozygotes.

Submissions (10):

Labcorp Genetics (formerly Invitae), Labcorp
Classification: Benign for Primary ciliary dyskinesia. Last evaluated: 2026-02-01. Review status: criteria provided, single submitter. Criteria: Invitae Variant Classification Sherloc (09022015). Collection method: clinical testing. Allele origin: germline.

Blueprint Genetics
Classification: Likely benign. Last evaluated: 2024-11-08. Review status: criteria provided, single submitter. Criteria: ACMG Guidelines, 2015. Collection method: clinical testing. Allele origin: germline.

Mayo Clinic Laboratories, Mayo Clinic
Classification: Likely benign. Last evaluated: 2024-04-18. Review status: criteria provided, single submitter. Criteria: ACMG Guidelines, 2015. Collection method: clinical testing. Allele origin: germline. Observed: 2 variant alleles.
Comment: BS1, BP4, BP7

Illumina Laboratory Services, Illumina
Classification: Uncertain significance for Primary ciliary dyskinesia 11. Last evaluated: 2018-01-13. Review status: criteria provided, single submitter. Criteria: ICSL Variant Classification Criteria 13 December 2019. Collection method: clinical testing. Allele origin: germline.

Ambry Genetics
Classification: Benign for Primary ciliary dyskinesia. Last evaluated: 2015-04-08. Review status: criteria provided, single submitter. Criteria: Ambry Variant Classification Scheme 2023. Collection method: clinical testing. Allele origin: germline.

PreventionGenetics, part of Exact Sciences
Classification: Likely benign. Review status: criteria provided, single submitter. Criteria: ACMG Guidelines, 2015. Collection method: clinical testing. Allele origin: germline.

Dr. Peter K. Rogan Lab, Western University
No classification provided (evidence only). Condition: Lung cancer. Review status: no classification provided. Collection method: in vitro. Allele origin: not applicable. Functional consequence: retained intron. Not counted in ClinVar's aggregate classification.

Dr. Peter K. Rogan Lab, Western University
No classification provided (evidence only). Condition: Acute myeloid leukemia. Review status: no classification provided. Collection method: in vitro. Allele origin: not applicable. Functional consequence: retained intron. Not counted in ClinVar's aggregate classification.

Dr. Peter K. Rogan Lab, Western University
No classification provided (evidence only). Condition: Uterine corpus endometrial carcinoma. Review status: no classification provided. Collection method: in vitro. Allele origin: not applicable. Functional consequence: retained intron. Not counted in ClinVar's aggregate classification.

Dr. Peter K. Rogan Lab, Western University
No classification provided (evidence only). Condition: Malignant tumor of esophagus. Review status: no classification provided. Collection method: in vitro. Allele origin: not applicable. Functional consequence: retained intron. Not counted in ClinVar's aggregate classification.